The following is an entry in ClinVar:

NM_025179.4(PLXNA2):c.4433C>A (p.Thr1478Lys)

Gene: PLXNA2 (plexin A2; minus strand). Cytogenetic location: 1q32.2.
Variant type: single nucleotide variant.
Coding change: c.4433C>A on transcript NM_025179.4 (MANE Select); coding-DNA position 4433, C replaced by A.
Protein change: p.Thr1478Lys; replaces threonine 1478 with lysine.
Molecular consequence: missense variant.
Genome position (GRCh38, 1-based): chr1:208,039,688, G>T on the plus strand (C>A on the coding strand, the complement: PLXNA2 is on the minus strand). VCF-style: chr1-208039688-G-T. GRCh37 (hg19) VCF-style: chr1-208213033-G-T.
Other names: short protein forms T1478K.
Identifiers: ClinVar variation 3614929 (VCV003614929.2).

ClinVar aggregate classification (germline): Uncertain significance (1 of 4 stars; one submission).

Submission:

Labcorp Genetics (formerly Invitae), Labcorp
Classification: Uncertain significance. Last evaluated: 2024-06-20. Review status: criteria provided, single submitter. Criteria: Invitae Variant Classification Sherloc (09022015). Collection method: clinical testing. Allele origin: germline.
Comment: This sequence change replaces threonine, which is neutral and polar, with lysine, which is basic and polar, at codon 1478 of the PLXNA2 protein (p.Thr1478Lys). This variant is not present in population databases (gnomAD no frequency). This variant has not been reported in the literature in individuals affected with PLXNA2-related conditions. Advanced modeling of protein sequence and biophysical properties (such as structural, functional, and spatial information, amino acid conservation, physicochemical variation, residue mobility, and thermodynamic stability) performed at Invitae indicates that this missense variant is expected to disrupt PLXNA2 protein function with a positive predictive value of 80%. In summary, the available evidence is currently insufficient to determine the role of this variant in disease. Therefore, it has been classified as a Variant of Uncertain Significance.